The following is an entry in ClinVar:

ClinVar aggregate classification (germline): Benign/Likely benign. Review status: criteria provided, multiple submitters, no conflicts (2 of 4 stars). 3 submissions from 3 submitters: Benign (1); Likely benign (2). Last evaluated 2025-09-19.

Conditions:
Renal cell carcinoma. Identifiers: Orphanet 217071, MedGen C0007134, MeSH D002292, MONDO:0005086, HP:0005584.
Papillary renal cell carcinoma type 1 (RCCP1). Also called: Renal adenocarcinoma; Renal cell carcinoma 1; Renal cell carcinoma, somatic; RENAL CELL CARCINOMA, PAPILLARY, 1, SOMATIC. Identifiers: Orphanet 47044, MedGen C1336839, OMIM 605074, HP:0011797.
Hereditary cancer-predisposing syndrome. Also called: Neoplastic Syndromes, Hereditary; Hereditary Cancer Syndrome; Tumor predisposition; Hereditary neoplastic syndrome. Identifiers: Orphanet 140162, MedGen C0027672, MeSH D009386, MONDO:0015356.

Allele frequency attached by ClinVar (database versions not stated): TOPMed below 0.00001; gnomAD 0.00001.
gnomAD v4.1: 4 of 1,613,396 alleles (0.00025%); highest among the groups gnomAD compares: African/African-American, 0.004%; no homozygotes.

Submissions (3):

Labcorp Genetics (formerly Invitae), Labcorp
Classification: Likely benign for Renal cell carcinoma. Last evaluated: 2025-09-19. Review status: criteria provided, single submitter. Criteria: Invitae Variant Classification Sherloc (09022015). Collection method: clinical testing. Allele origin: germline.

Myriad Genetics, Inc.
Classification: Benign for Papillary renal cell carcinoma type 1. Last evaluated: 2024-11-13. Review status: criteria provided, single submitter. Criteria: Myriad Autosomal Dominant, Autosomal Recessive and X-Linked Classification Criteria (2023). Collection method: clinical testing. Allele origin: unknown.
Comment: This variant is considered benign. This variant is a silent/synonymous amino acid change and it is not expected to impact splicing.

Ambry Genetics
Classification: Likely benign for Hereditary cancer-predisposing syndrome. Last evaluated: 2023-03-22. Review status: criteria provided, single submitter. Criteria: Ambry Variant Classification Scheme 2023. Collection method: clinical testing. Allele origin: germline.

NM_000245.4(MET):c.3261G>A (p.Gly1087=)

Gene: MET (MET proto-oncogene, receptor tyrosine kinase; plus strand). Cytogenetic location: 7q31.2.
Variant type: single nucleotide variant.
Coding change: c.3261G>A on transcript NM_000245.4 (MANE Select); coding-DNA position 3261, G replaced by A.
Protein change: p.Gly1087=; no amino-acid change (glycine 1087 retained).
Molecular consequence: synonymous variant.
Genome position (GRCh38, 1-based): chr7:116,777,390, G>A. VCF-style: chr7-116777390-G-A. GRCh37 (hg19) VCF-style: chr7-116417444-G-A.
Other names: c.3315G>A, p.Gly1105= (NM_001127500.3); c.1971G>A, p.Gly657= (NM_001324402.2); c.3315G>A (NM_001127500.1).
Identifiers: ClinVar variation 1133423 (VCV001133423.11), dbSNP rs1422966258, ClinGen allele CA457218565.